The following is an entry in ClinVar:

NM_005236.3(ERCC4):c.537A>G (p.Glu179=)

Gene: ERCC4 (ERCC excision repair 4, endonuclease catalytic subunit; plus strand). Cytogenetic location: 16p13.12.
Variant type: single nucleotide variant.
Coding change: c.537A>G on transcript NM_005236.3 (MANE Select); coding-DNA position 537, A replaced by G.
Protein change: p.Glu179=; no amino-acid change (glutamic acid 179 retained).
Molecular consequence: synonymous variant.
Genome position (GRCh38, 1-based): chr16:13,926,709, A>G. VCF-style: chr16-13926709-A-G. GRCh37 (hg19) VCF-style: chr16-14020566-A-G.
Identifiers: ClinVar variation 1111141 (VCV001111141.12), dbSNP rs373408411, ClinGen allele CA7910215.

ClinVar aggregate classification (germline): Conflicting classifications of pathogenicity. Review status: criteria provided, conflicting classifications (1 of 4 stars). 3 submissions from 3 submitters: Uncertain significance (1); Likely benign (2). Last evaluated 2025-11-05.

Conditions:
Xeroderma pigmentosum (XP). Identifiers: Orphanet 910, MedGen C0043346, MONDO:0019600.
Fanconi anemia complementation group Q. Identifiers: Orphanet 84, MedGen C3808988, MONDO:0014108, OMIM 615272.
Xeroderma pigmentosum, group F (XPF). Also called: ERCC4-Related Xeroderma Pigmentosum; XERODERMA PIGMENTOSUM VI; XP, GROUP F; XERODERMA PIGMENTOSUM, TYPE F; Xeroderma pigmentosum, type 6; XERODERMA PIGMENTOSUM, COMPLEMENTATION GROUP F. Identifiers: MedGen C0268140, MONDO:0010215, OMIM 278760.
Cockayne syndrome. Identifiers: Orphanet 191, MedGen C0009207, MONDO:0016006.

Allele frequency attached by ClinVar (database versions not stated): gnomAD exomes below 0.00001 and 0.00001; ExAC 0.00002; ESP Exome Variant Server 0.00008; TOPMed 0.00008; gnomAD 0.00009; 1000 Genomes Project 30x 0.00016; 1000 Genomes Project 0.00020.
gnomAD v4.1: 23 of 1,614,132 alleles (0.0014%); highest among the groups gnomAD compares: African/African-American, 0.025%; no homozygotes.

Submissions (3):

Labcorp Genetics (formerly Invitae), Labcorp
Classification: Likely benign for Fanconi anemia complementation group Q; Xeroderma pigmentosum, group F; Cockayne syndrome. Last evaluated: 2025-11-05. Review status: criteria provided, single submitter. Criteria: Invitae Variant Classification Sherloc (09022015). Collection method: clinical testing. Allele origin: germline.

Sema4
Classification: Uncertain significance for Xeroderma pigmentosum. Last evaluated: 2021-08-25. Review status: criteria provided, single submitter. Criteria: Sema4 Curation Guidelines. Collection method: curation. Allele origin: germline.
Comment: The ERCC4 c.537A>G (p.E179=) variant has not been reported in the literature to our knowledge. It was observed in 5/24970 chromosomes of the African/African American subpopulation in the large and broad cohorts of the Genome Aggregation Database (PMID: 32461654). The variant has been reported in ClinVar (Variation ID 1111141). In silico tools suggest that the variant may create or strengthen a cryptic splice site, though these predictions have not been confirmed by functional studies. The evidence is insufficient to meet ACMG/AMP criteria for classifying the variant as benign or pathogenic. Thus, the clinical significance of this variant is currently uncertain.

Genetic Services Laboratory, University of Chicago
Classification: Likely benign. Last evaluated: 2020-02-14. Review status: criteria provided, single submitter. Criteria: ACMG Guidelines, 2015. Collection method: clinical testing. Allele origin: germline. Affected: no.